The following is an entry in ClinVar:

ClinVar aggregate classification (germline): Uncertain significance. Review status: criteria provided, multiple submitters, no conflicts (2 of 4 stars). 3 submissions from 3 submitters: Uncertain significance (3). Last evaluated 2023-04-11.

Conditions:
Inborn genetic diseases. Identifiers: MedGen C0950123, MeSH D030342.
Hereditary insensitivity to pain with anhidrosis (CIPA). Also called: INSENSITIVITY TO PAIN, CONGENITAL, WITH ANHIDROSIS; FAMILIAL DYSAUTONOMIA, TYPE II; NEUROPATHY, CONGENITAL SENSORY, WITH ANHIDROSIS; HSAN Type IV; hereditary sensory and autonomic neuropathy type 4; NTRK1 Congenital Insensitivity to Pain with Anhidrosis. Identifiers: Orphanet 642, MedGen C0020074, MONDO:0009746, OMIM 256800.

Allele frequency attached by ClinVar (database versions not stated): gnomAD 0.00001; gnomAD exomes 0.00001; TOPMed 0.00001; ExAC 0.00002; 1000 Genomes Project 30x 0.00016; 1000 Genomes Project 0.00020.
gnomAD v4.1: 7 of 1,613,806 alleles (0.00043%); highest among the groups gnomAD compares: South Asian, 0.0022%; no homozygotes.

Submissions (3):

Genome-Nilou Lab
Classification: Uncertain significance for Hereditary insensitivity to pain with anhidrosis. Last evaluated: 2023-04-11. Review status: criteria provided, single submitter. Criteria: ACMG Guidelines, 2015. Collection method: clinical testing. Allele origin: germline. Affected: no.

GeneDx
Classification: Uncertain significance. Last evaluated: 2022-06-21. Review status: criteria provided, single submitter. Criteria: GeneDx Variant Classification Process June 2021. Collection method: clinical testing. Allele origin: germline. Affected: yes.
Comment: In silico analysis supports that this missense variant has a deleterious effect on protein structure/function; Has not been previously published as pathogenic or benign to our knowledge

Ambry Genetics
Classification: Uncertain significance for Inborn genetic diseases. Last evaluated: 2021-08-30. Review status: criteria provided, single submitter. Criteria: Ambry Variant Classification Scheme 2023. Collection method: clinical testing. Allele origin: germline.
Comment: The p.R568H variant (also known as c.1703G>A), located in coding exon 13 of the NTRK1 gene, results from a G to A substitution at nucleotide position 1703. The arginine at codon 568 is replaced by histidine, an amino acid with highly similar properties. This amino acid position is conserved. In addition, the in silico prediction for this alteration is inconclusive. Since supporting evidence is limited at this time, the clinical significance of this alteration remains unclear.

NM_002529.4(NTRK1):c.1721G>A (p.Arg574His)

Gene: NTRK1 (neurotrophic receptor tyrosine kinase 1; plus strand). Cytogenetic location: 1q23.1.
Variant type: single nucleotide variant.
Coding change: c.1721G>A on transcript NM_002529.4 (MANE Select); coding-DNA position 1721, G replaced by A.
Protein change: p.Arg574His; replaces arginine 574 with histidine.
Molecular consequence: missense variant.
Genome position (GRCh38, 1-based): chr1:156,876,488, G>A. VCF-style: chr1-156876488-G-A. GRCh37 (hg19) VCF-style: chr1-156846280-G-A.
Other names: c.1721G>A, p.Arg574His (NM_001007204.1); c.1613G>A, p.Arg538His (NM_001007792.1); c.1703G>A, p.Arg568His (NM_001012331.2); short protein forms R574H, R538H, R568H.
Identifiers: ClinVar variation 1778396 (VCV001778396.4), dbSNP rs554180226, ClinGen allele CA1169446.